The following is an entry in ClinVar:

ClinVar aggregate classification (germline): Likely benign (1 of 4 stars; one submission).

Allele frequency attached by ClinVar (database versions not stated): gnomAD 0.00010; gnomAD exomes 0.00012; 1000 Genomes Project 30x 0.00016; 1000 Genomes Project 0.00020; ExAC 0.00029.
gnomAD v4.1: 187 of 1,604,216 alleles (0.012%); highest among the groups gnomAD compares: South Asian, 0.073%; 1 homozygote.

Submission:

CeGaT Center for Human Genetics Tuebingen
Classification: Likely benign. Last evaluated: 2022-09-01. Review status: criteria provided, single submitter. Criteria: CeGaT Center For Human Genetics Tuebingen Variant Classification Criteria Version 2. Collection method: clinical testing. Allele origin: germline. Affected: yes. Observed: 1 variant allele.
Comment: KRTAP10-4: BP4, BP7

NM_198687.2(KRTAP10-4):c.615G>A (p.Thr205=)

Genes: KRTAP10-4 (keratin associated protein 10-4; plus strand), TSPEAR (thrombospondin type laminin G domain and EAR repeats; minus strand). Cytogenetic location: 21q22.3.
Variant type: single nucleotide variant.
Coding change: c.615G>A on transcript NM_198687.2 (MANE Select); coding-DNA position 615, G replaced by A.
Protein change: p.Thr205=; no amino-acid change (threonine 205 retained).
Molecular consequence: synonymous variant. On other transcripts: intron variant (2).
Genome position (GRCh38, 1-based): chr21:44,574,373, G>A. VCF-style: chr21-44574373-G-A. GRCh37 (hg19) VCF-style: chr21-45994250-G-A.
Other names: c.83-6368C>T (NM_144991.3); c.-122-6368C>T (NM_001272037.2).
Identifiers: ClinVar variation 2652765 (VCV002652765.24), dbSNP rs587721702, ClinGen allele CA10058318.
Genomic context (GRCh38, chr21:44,574,373, plus strand): 5'-CTGCTGCCAGGCGGTCTGTGAGCCCAGCCCCTGCCAATCAGGCTGCATCAGCTCCTGCAC[G>A]CCCTCGTGCTGCCAGCAGTCTAGCTGCCAGCCGGCTTGCTGCACCTCCTCCTCCTGCCAG-3'
Protein context (NP_941960.2, residues 195-215): PCQSGCISSC[Thr205=]PSCCQQSSCQ